The following is an entry in ClinVar:

ClinVar aggregate classification (germline): Likely benign. Review status: criteria provided, multiple submitters, no conflicts (2 of 4 stars). 2 submissions from 2 submitters: Likely benign (2). Last evaluated 2024-05-07.

Conditions:
Ataxia-telangiectasia syndrome (AT). Also called: ATAXIA-TELANGIECTASIA, COMPLEMENTATION GROUP A; ATAXIA-TELANGIECTASIA, FRESNO VARIANT; Ataxia-telangiectasia, complementation group D; LOUIS-BAR SYNDROME; AT, COMPLEMENTATION GROUP C; Ataxia-telangiectasia. Identifiers: Orphanet 100, MedGen C0004135, MONDO:0008840, OMIM 208900.
Familial cancer of breast. Also called: BREAST CANCER, FAMILIAL; Hereditary breast cancer; hereditary breast carcinoma. Identifiers: Orphanet 227535, MedGen C0346153, MONDO:0016419, OMIM 114480. Disease mechanism: loss of function.

Allele frequency attached by ClinVar (database versions not stated): gnomAD exomes below 0.00001.
gnomAD v4.1: 1 of 1,574,756 alleles (0.000064%); highest among the groups gnomAD compares: East Asian, 0.0023%; no homozygotes.

Submissions (2):

Myriad Genetics, Inc.
Classification: Likely benign for Familial cancer of breast. Last evaluated: 2024-05-07. Review status: criteria provided, single submitter. Criteria: Myriad Autosomal Dominant, Autosomal Recessive and X-Linked Classification Criteria (2023). Collection method: clinical testing. Allele origin: unknown.
Comment: This variant is considered likely benign. This variant is intronic and is not expected to impact mRNA splicing.

Labcorp Genetics (formerly Invitae), Labcorp
Classification: Likely benign for Ataxia-telangiectasia syndrome. Last evaluated: 2024-01-09. Review status: criteria provided, single submitter. Criteria: Invitae Variant Classification Sherloc (09022015). Collection method: clinical testing. Allele origin: germline.

NM_000051.4(ATM):c.2125-18T>C

Gene: ATM (ATM serine/threonine kinase; plus strand). Cytogenetic location: 11q22.3.
Variant type: single nucleotide variant.
Coding change: c.2125-18T>C on transcript NM_000051.4 (MANE Select); 18 bases into the intron before coding-DNA position 2125, T replaced by C.
Molecular consequence: intron variant.
Genome position (GRCh38, 1-based): chr11:108,256,197, T>C. VCF-style: chr11-108256197-T-C. GRCh37 (hg19) VCF-style: chr11-108126924-T-C.
Other names: c.2125-18T>C (NM_001351834.2).
Identifiers: ClinVar variation 2708512 (VCV002708512.4), dbSNP rs2135391494, ClinGen allele CA2615845075.